The following is an entry in ClinVar:

NM_003482.4(KMT2D):c.2656C>A (p.Pro886Thr)

Gene: KMT2D (lysine methyltransferase 2D; minus strand). Cytogenetic location: 12q13.12.
Variant type: single nucleotide variant.
Coding change: c.2656C>A on transcript NM_003482.4 (MANE Select); coding-DNA position 2656, C replaced by A.
Protein change: p.Pro886Thr; replaces proline 886 with threonine.
Molecular consequence: missense variant.
Genome position (GRCh38, 1-based): chr12:49,051,027, G>T on the plus strand (C>A on the coding strand, the complement: KMT2D is on the minus strand). VCF-style: chr12-49051027-G-T. GRCh37 (hg19) VCF-style: chr12-49444810-G-T.
Other names: short protein forms P886T.
Identifiers: ClinVar variation 134668 (VCV000134668.4), dbSNP rs199946966, ClinGen allele CA160499.

ClinVar aggregate classification (germline): Benign. Review status: criteria provided, single submitter (1 of 4 stars). 2 submissions from 2 submitters: Benign (1). 1 of the submissions does not count toward it. Last evaluated 2025-09-14.

Conditions:
Kabuki syndrome. Also called: NIIKAWA-KUROKI SYNDROME; Kabuki make-up syndrome. Identifiers: Orphanet 2322, MedGen C0796004, MONDO:0016512.

Allele frequency attached by ClinVar (database versions not stated): TOPMed 0.00002; 1000 Genomes Project 0.00040; 1000 Genomes Project 30x 0.00031.
gnomAD v4.1: 11 of 1,557,184 alleles (0.00071%); highest among the groups gnomAD compares: African/African-American, 0.011%; no homozygotes.

Submissions (2):

Labcorp Genetics (formerly Invitae), Labcorp
Classification: Benign for Kabuki syndrome. Last evaluated: 2025-09-14. Review status: criteria provided, single submitter. Criteria: Invitae Variant Classification Sherloc (09022015). Collection method: clinical testing. Allele origin: germline.

ITMI
No classification provided. Condition: AllHighlyPenetrant. Last evaluated: 2013-09-19. Review status: no classification provided. Collection method: reference population. Allele origin: germline. Not counted in ClinVar's aggregate classification.
Comment: Please see associated publication for description of ethnicities

Literature cited by the submitters: PubMed 24728327 (cited by ITMI).